The following is an entry in ClinVar:

NM_001033855.3(DCLRE1C):c.934T>C (p.Tyr312His)

Gene: DCLRE1C (DNA cross-link repair 1C; minus strand). Cytogenetic location: 10p13.
Variant type: single nucleotide variant.
Coding change: c.934T>C on transcript NM_001033855.3 (MANE Select); coding-DNA position 934, T replaced by C.
Protein change: p.Tyr312His; replaces tyrosine 312 with histidine.
Molecular consequence: missense variant. On other transcripts: non-coding transcript variant (3).
Genome position (GRCh38, 1-based): chr10:14,926,881, A>G on the plus strand (T>C on the coding strand, the complement: DCLRE1C is on the minus strand). VCF-style: chr10-14926881-A-G. GRCh37 (hg19) VCF-style: chr10-14968880-A-G.
Other names: c.574T>C, p.Tyr192His (NM_001033857.3, NM_001033858.3, NM_001289077.2 and 2 more transcripts); c.589T>C, p.Tyr197His (NM_001289076.2, NM_001289078.2, NM_001350966.2 and 1 more transcripts); c.934T>C, p.Tyr312His (NM_001350965.2); short protein forms Y197H, Y192H, Y312H.
Identifiers: ClinVar variation 1392846 (VCV001392846.8), dbSNP rs1470101838, ClinGen allele CA376055763.

ClinVar aggregate classification (germline): Uncertain significance (1 of 4 stars; one submission).

Conditions:
Severe combined immunodeficiency due to DCLRE1C deficiency (RS-SCID). Also called: SCID, AUTOSOMAL RECESSIVE, T CELL-NEGATIVE, B CELL-NEGATIVE, NK CELL-POSITIVE, WITH SENSITIVITY TO IONIZING RADIATION. Identifiers: Orphanet 275, MedGen C1865371, MONDO:0011225, OMIM 602450.

Allele frequency attached by ClinVar (database versions not stated): gnomAD 0.00001.
gnomAD v4.1: 1 of 1,613,470 alleles (0.000062%); highest among the groups gnomAD compares: African/African-American, 0.0013%; no homozygotes.

Submission:

Labcorp Genetics (formerly Invitae), Labcorp
Classification: Uncertain significance for Athabaskan severe combined immunodeficiency. Last evaluated: 2023-10-03. Review status: criteria provided, single submitter. Criteria: Invitae Variant Classification Sherloc (09022015). Collection method: clinical testing. Allele origin: germline.
Comment: This sequence change replaces tyrosine, which is neutral and polar, with histidine, which is basic and polar, at codon 312 of the DCLRE1C protein (p.Tyr312His). This variant is not present in population databases (gnomAD no frequency). This variant has not been reported in the literature in individuals affected with DCLRE1C-related conditions. ClinVar contains an entry for this variant (Variation ID: 1392846). Advanced modeling of protein sequence and biophysical properties (such as structural, functional, and spatial information, amino acid conservation, physicochemical variation, residue mobility, and thermodynamic stability) performed at Invitae indicates that this missense variant is not expected to disrupt DCLRE1C protein function. In summary, the available evidence is currently insufficient to determine the role of this variant in disease. Therefore, it has been classified as a Variant of Uncertain Significance.